The following is an entry in ClinVar:

NM_002691.4(POLD1):c.144C>T (p.His48=)

Gene: POLD1 (DNA polymerase delta 1, catalytic subunit; plus strand). Cytogenetic location: 19q13.33.
Variant type: single nucleotide variant.
Coding change: c.144C>T on transcript NM_002691.4 (MANE Select); coding-DNA position 144, C replaced by T.
Protein change: p.His48=; no amino-acid change (histidine 48 retained).
Molecular consequence: synonymous variant. On other transcripts: non-coding transcript variant (1).
Genome position (GRCh38, 1-based): chr19:50,398,995, C>T. VCF-style: chr19-50398995-C-T. GRCh37 (hg19) VCF-style: chr19-50902252-C-T.
Other names: c.144C>T, p.His48= (NM_001256849.1, NM_001308632.1).
Identifiers: ClinVar variation 518106 (VCV000518106.1), dbSNP rs1555789126, ClinGen allele CA508180430.

ClinVar aggregate classification (germline): Likely benign (1 of 4 stars; one submission).

Submission:

GeneDx
Classification: Likely benign. Last evaluated: 2017-06-14. Review status: criteria provided, single submitter. Criteria: GeneDx Variant Classification (06012015). Collection method: clinical testing. Allele origin: germline. Affected: yes.
Comment: This variant is considered likely benign or benign based on one or more of the following criteria: it is a conservative change, it occurs at a poorly conserved position in the protein, it is predicted to be benign by multiple in silico algorithms, and/or has population frequency not consistent with disease.